The following is an entry in ClinVar:

ClinVar aggregate classification (germline): Pathogenic (0 of 4 stars; one submission).

Submission:

GenMed Metabolism Lab
Classification: Pathogenic. Review status: no assertion criteria provided. Collection method: not provided. Allele origin: unknown.
Comment: Late, Acceptor splice site error
ClinVar note: Converted during submission from pathogenic to Pathogenic.

NM_000531.6(OTC):c.1006-3C>G

Gene: OTC (ornithine transcarbamylase; plus strand). Cytogenetic location: Xp11.4.
Variant type: single nucleotide variant.
Coding change: c.1006-3C>G on transcript NM_000531.6 (MANE Select); 3 bases into the intron before coding-DNA position 1006, C replaced by G.
Molecular consequence: intron variant.
Genome position (GRCh38, 1-based): chrX:38,421,020, C>G. VCF-style: chrX-38421020-C-G. GRCh37 (hg19) VCF-style: chrX-38280273-C-G.
Identifiers: ClinVar variation 97093 (VCV000097093.2), dbSNP rs72558485, ClinGen allele CA224435.